The following is an entry in ClinVar:

ClinVar aggregate classification (germline): Uncertain significance. Review status: criteria provided, multiple submitters, no conflicts (2 of 4 stars). 2 submissions from 2 submitters: Uncertain significance (2). Last evaluated 2023-02-27.

Conditions:
Inborn genetic diseases. Identifiers: MedGen C0950123, MeSH D030342.

Allele frequency attached by ClinVar (database versions not stated): TOPMed below 0.00001.
gnomAD v4.1: 6 of 1,614,004 alleles (0.00037%); highest among the groups gnomAD compares: Non-Finnish European, 0.00051%; no homozygotes.

Submissions (2):

Ambry Genetics
Classification: Uncertain significance for Inborn genetic diseases. Last evaluated: 2023-02-27. Review status: criteria provided, single submitter. Criteria: Ambry Variant Classification Scheme 2023. Collection method: clinical testing. Allele origin: germline.

GeneDx
Classification: Uncertain significance. Last evaluated: 2022-02-23. Review status: criteria provided, single submitter. Criteria: GeneDx Variant Classification Process June 2021. Collection method: clinical testing. Allele origin: germline. Affected: yes.
Comment: Not observed at significant frequency in large population cohorts (gnomAD); In silico analysis supports that this missense variant does not alter protein structure/function; Has not been previously published as pathogenic or benign to our knowledge

NM_033305.3(VPS13A):c.3753C>G (p.Ser1251Arg)

Gene: VPS13A (vacuolar protein sorting 13 homolog A; plus strand). Cytogenetic location: 9q21.2.
Variant type: single nucleotide variant.
Coding change: c.3753C>G on transcript NM_033305.3 (MANE Select); coding-DNA position 3753, C replaced by G.
Protein change: p.Ser1251Arg; replaces serine 1251 with arginine.
Molecular consequence: missense variant.
Genome position (GRCh38, 1-based): chr9:77,295,787, C>G. VCF-style: chr9-77295787-C-G. GRCh37 (hg19) VCF-style: chr9-79910703-C-G.
Other names: c.3636C>G, p.Ser1212Arg (NM_001018037.2); c.3753C>G, p.Ser1251Arg (NM_001018038.3, NM_015186.4); short protein forms S1212R, S1251R.
Identifiers: ClinVar variation 1703281 (VCV001703281.4), dbSNP rs759933502, ClinGen allele CA373850769.